The following is an entry in ClinVar:

ClinVar aggregate classification (germline): Pathogenic/Likely pathogenic. Review status: criteria provided, multiple submitters, no conflicts (2 of 4 stars). 3 submissions from 3 submitters: Pathogenic (2); Likely pathogenic (1). Last evaluated 2022-03-15.

Conditions:
Neurofibromatosis, type 1 (NF1). Also called: Neurofibromatosis, type I; VON RECKLINGHAUSEN DISEASE; NEUROFIBROMATOSIS, TYPE I, SOMATIC; Peripheral type neurofibromatosis. Identifiers: Orphanet 636, MedGen C0027831, MONDO:0018975, OMIM 162200. Disease mechanism: loss of function.

Submissions (3):

Genome-Nilou Lab
Classification: Pathogenic for Neurofibromatosis, type 1. Last evaluated: 2022-03-15. Review status: criteria provided, single submitter. Criteria: ACMG Guidelines, 2015. Collection method: clinical testing. Allele origin: germline. Affected: no.

Labcorp Genetics (formerly Invitae), Labcorp
Classification: Pathogenic for Neurofibromatosis, type 1. Last evaluated: 2021-11-23. Review status: criteria provided, single submitter. Criteria: Invitae Variant Classification Sherloc (09022015). Collection method: clinical testing. Allele origin: germline.
Comment: This sequence change creates a premature translational stop signal (p.Met2053Serfs*8) in the NF1 gene. It is expected to result in an absent or disrupted protein product. Loss-of-function variants in NF1 are known to be pathogenic (PMID: 10712197, 23913538). This variant is not present in population databases (gnomAD no frequency). This variant has not been reported in the literature in individuals affected with NF1-related conditions. ClinVar contains an entry for this variant (Variation ID: 996514). For these reasons, this variant has been classified as Pathogenic.

Genome Diagnostics Laboratory, The Hospital for Sick Children
Classification: Likely pathogenic for Neurofibromatosis, type 1. Last evaluated: 2020-10-26. Review status: criteria provided, single submitter. Criteria: ACMG Guidelines, 2015. Collection method: clinical testing. Allele origin: germline. Affected: yes.

Literature cited by the submitters: PubMed 10712197 (cited by Labcorp Genetics (formerly Invitae), Labcorp); PubMed 23913538 (cited by Labcorp Genetics (formerly Invitae), Labcorp).

NM_001042492.3(NF1):c.6221del (p.Met2074fs)

Gene: NF1 (neurofibromin 1; plus strand). Cytogenetic location: 17q11.2.
Variant type: Deletion.
Coding change: c.6221del on transcript NM_001042492.3 (MANE Select); coding-DNA position 6221, one base deleted (T; older notation c.6221delT).
Protein change: p.Met2074fs; shifts the reading frame from methionine 2074.
Molecular consequence: frameshift variant.
Genome position (GRCh38, 1-based): chr17:31,336,708, T deleted. VCF-style (leftmost placement, unchanged base first): chr17-31336707-AT-A. GRCh37 (hg19) VCF-style: chr17-29663725-AT-A.
Other names: c.6158delT, p.Met2053Serfs (NM_000267.4); c.6158delT (NM_000267.3); short protein forms M2053fs, M2074fs.
Identifiers: ClinVar variation 996514 (VCV000996514.9), dbSNP rs2069683635, ClinGen allele CA2255620500.